The following is an entry in ClinVar:

ClinVar aggregate classification (germline): Likely pathogenic. Review status: reviewed by expert panel (3 of 4 stars). 2 submissions from 2 submitters: Likely pathogenic (1). 1 of the submissions does not count toward it. Last evaluated 2024-03-04.

Conditions:
Recombinase activating gene 2 deficiency. Also called: RAG2 deficiency. Identifiers: MedGen CN257931, MONDO:0000573.
Severe combined immunodeficiency, autosomal recessive, T cell-negative, B cell-negative, NK cell-positive. Also called: SCID, T CELL-NEGATIVE, B CELL-NEGATIVE, NK CELL-POSITIVE; SCID, AR, T-cell negative, B-cell negative, NK cell-positive; Severe combined immunodeficiency due to complete RAG1/2 deficiency. Identifiers: Orphanet 331206, MedGen C1832322, MONDO:0011086, OMIM 601457.
Combined immunodeficiency with skin granulomas. Identifiers: Orphanet 157949, MedGen C2673536, MONDO:0009306, OMIM 233650.

Submissions (2):

ClinGen Severe Combined Immunodeficiency Variant Curation Expert Panel, ClinGen
Classification: Likely pathogenic for Recombinase activating gene 2 deficiency. Last evaluated: 2024-03-04. Review status: reviewed by expert panel. Criteria: ClinGen SCID ACMG Specifications RAG2 V1.0.0. Collection method: curation. Allele origin: germline. Inheritance: Autosomal recessive inheritance.
Comment: NM_000536.4(RAG2):c.3G>A is a missense variant predicted to cause substitution of Methionine by Isoleucine at amino acid 1 (p.Met1Ile).This sequence change affects the initiator methionine of the RAG2 mRNA. The next possible initiation codon is at codon 5. This region does not contain known pathogenic/likely pathogenic variants. (PVS1_Supporting).This missense variant is located in the core domain (amino acids 1-383) (PM1_supporting). The variant is absent in gnomAD v4 (PM2_supporting). This variant was found in trans with p.Arg229Gln (classified as pathogenic by SCID VCEP) (1 pt.) (PM3) (Invitae proband; internal lab communication).Patient with SCID (0.5 pt.), SCID gene panel conducted (0.5 pt.),T- B- NK+ by flow cytometry (0.5 pt.); total :1.5 pts (PP4) (Invitae proband; internal lab communication). To our knowledge, this variant has not been reported in the literature in individuals affected with RAG2 related conditions or in functional studies. In summary, this variant meets the criteria to be classified as a variant of uncertain significance for autosomal recessive severe combined immunodeficiency due to RAG2 deficiency based on the ACMG/AMP criteria applied, as specified by the ClinGen SCID VCEP: PVS1_Supporting,PM1_supporting,PM2_supporting,PM3,PP4 (VCEP specifications version 1).

Labcorp Genetics (formerly Invitae), Labcorp
Classification: Pathogenic for Combined immunodeficiency with skin granulomas; Severe combined immunodeficiency, autosomal recessive, T cell-negative, B cell-negative, NK cell-positive. Last evaluated: 2022-07-24. Review status: criteria provided, single submitter. Criteria: Invitae Variant Classification Sherloc (09022015). Collection method: clinical testing. Allele origin: germline. Not counted in ClinVar's aggregate classification.
Comment: For these reasons, this variant has been classified as Pathogenic. Disruption of the initiator codon has been observed in individual(s) with severe combined immunodeficiency (PMID: 31031743; Invitae). In at least one individual the data is consistent with being in trans (on the opposite chromosome) from a pathogenic variant. This variant is not present in population databases (gnomAD no frequency). This sequence change affects the initiator methionine of the RAG2 mRNA. The next in-frame methionine is located at codon 5.

Literature cited by the submitters: PubMed 31031743 (cited by Labcorp Genetics (formerly Invitae), Labcorp).

NM_000536.4(RAG2):c.3G>A (p.Met1Ile)

Gene: RAG2 (recombination activating 2; minus strand). Cytogenetic location: 11p12.
Variant type: single nucleotide variant.
Coding change: c.3G>A on transcript NM_000536.4 (MANE Select); coding-DNA position 3, G replaced by A.
Protein change: p.Met1Ile; changes the start codon (methionine 1).
Molecular consequence: missense variant, initiator codon variant.
Genome position (GRCh38, 1-based): chr11:36,594,166, C>T on the plus strand (G>A on the coding strand, the complement: RAG2 is on the minus strand). VCF-style: chr11-36594166-C-T. GRCh37 (hg19) VCF-style: chr11-36615716-C-T.
Other names: NM_000536.4(RAG2):c.3G>A; p.Met1Ile; c.3G>A, p.Met1Ile (NM_001243785.2, NM_001243786.2); short protein forms M1I.
Identifiers: ClinVar variation 2019436 (VCV002019436.6), dbSNP rs2494801025, ClinGen allele CA380145362.